The following is an entry in ClinVar:

ClinVar aggregate classification (germline): Uncertain significance (1 of 4 stars; one submission).

Conditions:
Inborn genetic diseases. Identifiers: MedGen C0950123, MeSH D030342.

Submission:

Ambry Genetics
Classification: Uncertain significance for Inborn genetic diseases. Last evaluated: 2026-04-13. Review status: criteria provided, single submitter. Criteria: Ambry Variant Classification Scheme 2023. Collection method: clinical testing. Allele origin: germline.
Comment: The p.L1973P variant (also known as c.5918T>C), located in coding exon 22 of the FANCM gene, results from a T to C substitution at nucleotide position 5918. The leucine at codon 1973 is replaced by proline, an amino acid with similar properties. This amino acid position is conserved. In addition, the in silico prediction for this alteration is inconclusive. Based on the available evidence, the clinical significance of this variant remains unclear.

NM_020937.4(FANCM):c.5918T>C (p.Leu1973Pro)

Gene: FANCM (FA complementation group M; plus strand). Cytogenetic location: 14q21.2.
Variant type: single nucleotide variant.
Coding change: c.5918T>C on transcript NM_020937.4 (MANE Select); coding-DNA position 5918, T replaced by C.
Protein change: p.Leu1973Pro; replaces leucine 1973 with proline.
Molecular consequence: missense variant.
Genome position (GRCh38, 1-based): chr14:45,198,845, T>C. VCF-style: chr14-45198845-T-C. GRCh37 (hg19) VCF-style: chr14-45668048-T-C.
Other names: c.5840T>C, p.Leu1947Pro (NM_001308133.2); short protein forms L1947P, L1973P.
Identifiers: ClinVar variation 4871082 (VCV004871082.1).
Genomic context (GRCh38, chr14:45,198,845, plus strand): 5'-AAAGAAAGAATGTTGGTATTCATGTTCCAACAGTGGTGAATAGTAATAAAAGTGAGGCAC[T>C]CCAGTTTTATTTAAGTATTCCCAATATAAGTTATATAACTGCATTAAATATGTGTCACCA-3'
Protein context (NP_065988.1, residues 1963-1983): TVVNSNKSEA[Leu1973Pro]QFYLSIPNIS